The following is an entry in ClinVar:

ClinVar aggregate classification (germline): Uncertain significance. Review status: criteria provided, multiple submitters, no conflicts (2 of 4 stars). 2 submissions from 2 submitters: Uncertain significance (2). Last evaluated 2023-11-08.

Conditions:
Oligodontia-cancer predisposition syndrome. Also called: TOOTH AGENESIS-COLORECTAL CANCER SYNDROME. Identifiers: Orphanet 300576, MedGen C1837750, MONDO:0012075, OMIM 608615. Disease mechanism: loss of function.
Hereditary cancer-predisposing syndrome. Also called: Neoplastic Syndromes, Hereditary; Tumor predisposition; Hereditary Cancer Syndrome; Hereditary neoplastic syndrome. Identifiers: Orphanet 140162, MedGen C0027672, MeSH D009386, MONDO:0015356.

Submissions (2):

Labcorp Genetics (formerly Invitae), Labcorp
Classification: Uncertain significance for Oligodontia-cancer predisposition syndrome. Last evaluated: 2023-11-08. Review status: criteria provided, single submitter. Criteria: Invitae Variant Classification Sherloc (09022015). Collection method: clinical testing. Allele origin: germline.
Comment: This sequence change replaces glutamic acid, which is acidic and polar, with glycine, which is neutral and non-polar, at codon 384 of the AXIN2 protein (p.Glu384Gly). This variant is not present in population databases (gnomAD no frequency). This missense change has been observed in individual(s) with neuroblastoma (PMID: 27009842). ClinVar contains an entry for this variant (Variation ID: 464520). Advanced modeling of protein sequence and biophysical properties (such as structural, functional, and spatial information, amino acid conservation, physicochemical variation, residue mobility, and thermodynamic stability) performed at Invitae indicates that this missense variant is expected to disrupt AXIN2 protein function with a positive predictive value of 80%. In summary, the available evidence is currently insufficient to determine the role of this variant in disease. Therefore, it has been classified as a Variant of Uncertain Significance.

Ambry Genetics
Classification: Uncertain significance for Hereditary cancer-predisposing syndrome. Last evaluated: 2022-10-07. Review status: criteria provided, single submitter. Criteria: Ambry Variant Classification Scheme 2023. Collection method: clinical testing. Allele origin: germline.
Comment: The p.E384G variant (also known as c.1151A>G), located in coding exon 4 of the AXIN2 gene, results from an A to G substitution at nucleotide position 1151. The glutamic acid at codon 384 is replaced by glycine, an amino acid with similar properties. This amino acid position is highly conserved in available vertebrate species. In addition, the in silico prediction for this alteration is inconclusive. Since supporting evidence is limited at this time, the clinical significance of this alteration remains unclear.

Literature cited by the submitters: PubMed 27009842 (cited by Labcorp Genetics (formerly Invitae), Labcorp).

NM_004655.4(AXIN2):c.1151A>G (p.Glu384Gly)

Gene: AXIN2 (axin 2; minus strand). Cytogenetic location: 17q24.1.
Variant type: single nucleotide variant.
Coding change: c.1151A>G on transcript NM_004655.4 (MANE Select); coding-DNA position 1151, A replaced by G.
Protein change: p.Glu384Gly; replaces glutamic acid 384 with glycine.
Molecular consequence: missense variant.
Genome position (GRCh38, 1-based): chr17:65,538,252, T>C on the plus strand (A>G on the coding strand, the complement: AXIN2 is on the minus strand). VCF-style: chr17-65538252-T-C. GRCh37 (hg19) VCF-style: chr17-63534370-T-C.
Other names: c.1151A>G, p.Glu384Gly (NM_001363813.1); c.1151A>G (LRG_296t1); short protein forms E384G.
Identifiers: ClinVar variation 464520 (VCV000464520.11), dbSNP rs1555578490, ClinGen allele CA400678310.
Genomic context (GRCh38, chr17:65,538,252, plus strand): 5'-GGCCGCATTACCTCTCGGATCTGCTGCAGGCGCTCCTCCAGGCTGTGGCGGCTCTCCAAC[T>C]CCAGCTTCAGCTTTTCCAGCCTCGAGATCAGCTCAGCTGCAAAGGTGGCGGGTTCCACGG-3'
Protein context (NP_004646.3, residues 374-394): LISRLEKLKL[Glu384Gly]LESRHSLEER